The following is an entry in ClinVar:

ClinVar aggregate classification (germline): Uncertain significance (1 of 4 stars; one submission).

Allele frequency attached by ClinVar (database versions not stated): gnomAD exomes below 0.00001.

Submission:

CeGaT Center for Human Genetics Tuebingen
Classification: Uncertain significance. Last evaluated: 2023-09-01. Review status: criteria provided, single submitter. Criteria: CeGaT Center For Human Genetics Tuebingen Variant Classification Criteria Version 2. Collection method: clinical testing. Allele origin: germline. Affected: yes. Observed: 1 variant allele.
Comment: ALG14: PM2, BP4

NM_144988.4(ALG14):c.377T>C (p.Met126Thr)

Gene: ALG14 (ALG14 UDP-N-acetylglucosaminyltransferase subunit; minus strand). Cytogenetic location: 1p21.3.
Variant type: single nucleotide variant.
Coding change: c.377T>C on transcript NM_144988.4 (MANE Select); coding-DNA position 377, T replaced by C.
Protein change: p.Met126Thr; replaces methionine 126 with threonine.
Molecular consequence: missense variant. On other transcripts: synonymous variant (1), non-coding transcript variant (1).
Genome position (GRCh38, 1-based): chr1:95,027,172, A>G on the plus strand (T>C on the coding strand, the complement: ALG14 is on the minus strand). VCF-style: chr1-95027172-A-G. GRCh37 (hg19) VCF-style: chr1-95492728-A-G.
Other names: c.414T>C, p.His138= (NM_001305242.2); short protein forms M126T.
Identifiers: ClinVar variation 2638934 (VCV002638934.24), dbSNP rs2525687119, ClinGen allele CA341365582.